The following is an entry in ClinVar:

ClinVar aggregate classification (germline): Conflicting classifications of pathogenicity. Review status: criteria provided, conflicting classifications (1 of 4 stars). 3 submissions from 3 submitters: Uncertain significance (2); Likely benign (1). Last evaluated 2026-02-02.

Conditions:
Hyper-IgM syndrome type 3. Also called: Hyper-IgM Immunodeficiency Syndrome, Type 3. Identifiers: Orphanet 101090, MedGen C1720957, MONDO:0011735, OMIM 606843.

Allele frequency attached by ClinVar (database versions not stated): gnomAD 0.00005 and 0.00012; TOPMed 0.00006; gnomAD exomes 0.00012 and 0.00025; ExAC 0.00016; 1000 Genomes Project 30x 0.00062; 1000 Genomes Project 0.00080.
gnomAD v4.1: 374 of 1,612,058 alleles (0.023%); highest among the groups gnomAD compares: East Asian, 0.82%; 3 homozygotes.

Submissions (3):

Labcorp Genetics (formerly Invitae), Labcorp
Classification: Uncertain significance. Last evaluated: 2026-02-02. Review status: criteria provided, single submitter. Criteria: Invitae Variant Classification Sherloc (09022015). Collection method: clinical testing. Allele origin: germline.
Comment: This sequence change replaces isoleucine, which is neutral and non-polar, with valine, which is neutral and non-polar, at codon 208 of the CD40 protein (p.Ile208Val). This variant is present in population databases (rs199581355, gnomAD 0.2%). This variant has not been reported in the literature in individuals affected with CD40-related conditions. ClinVar contains an entry for this variant (Variation ID: 898906). Invitae Evidence Modeling of protein sequence and biophysical properties (such as structural, functional, and spatial information, amino acid conservation, physicochemical variation, residue mobility, and thermodynamic stability) indicates that this missense variant is not expected to disrupt CD40 protein function with a negative predictive value of 80%. In summary, the available evidence is currently insufficient to determine the role of this variant in disease. Therefore, it has been classified as a Variant of Uncertain Significance.

Blueprint Genetics
Classification: Likely benign. Last evaluated: 2024-10-23. Review status: criteria provided, single submitter. Criteria: ACMG Guidelines, 2015. Collection method: clinical testing. Allele origin: germline.

Illumina Laboratory Services, Illumina
Classification: Uncertain significance for Hyper-IgM syndrome type 3. Last evaluated: 2018-01-12. Review status: criteria provided, single submitter. Criteria: ICSL Variant Classification Criteria 13 December 2019. Collection method: clinical testing. Allele origin: germline.

NM_001250.6(CD40):c.622A>G (p.Ile208Val)

Gene: CD40 (CD40 molecule; plus strand). Cytogenetic location: 20q13.12.
Variant type: single nucleotide variant.
Coding change: c.622A>G on transcript NM_001250.6 (MANE Select); coding-DNA position 622, A replaced by G.
Protein change: p.Ile208Val; replaces isoleucine 208 with valine.
Molecular consequence: missense variant. On other transcripts: non-coding transcript variant (2).
Genome position (GRCh38, 1-based): chr20:46,128,200, A>G. VCF-style: chr20-46128200-A-G. GRCh37 (hg19) VCF-style: chr20-44756839-A-G.
Other names: c.662A>G, p.His221Arg (NM_001302753.2); c.622A>G, p.Ile208Val (NM_001322421.2, NM_001362758.2); c.466A>G, p.Ile156Val (NM_001322422.2); c.560A>G, p.His187Arg (NM_152854.4); short protein forms H187R, I156V, H221R, I208V.
Identifiers: ClinVar variation 898906 (VCV000898906.12), dbSNP rs199581355, ClinGen allele CA9888532.